The following is an entry in ClinVar:

NM_022455.5(NSD1):c.6019A>T (p.Ile2007Phe)

Gene: NSD1 (nuclear receptor binding SET domain protein 1; plus strand). Cytogenetic location: 5q35.3.
Variant type: single nucleotide variant.
Coding change: c.6019A>T on transcript NM_022455.5 (MANE Select); coding-DNA position 6019, A replaced by T.
Protein change: p.Ile2007Phe; replaces isoleucine 2007 with phenylalanine.
Molecular consequence: missense variant.
Genome position (GRCh38, 1-based): chr5:177,283,796, A>T. VCF-style: chr5-177283796-A-T. GRCh37 (hg19) VCF-style: chr5-176710797-A-T.
Other names: c.5146A>T, p.Ile1716Phe (NM_001365684.2, NM_001409308.1, NM_172349.5); c.6019A>T, p.Ile2007Phe (NM_001409301.1, NM_001409302.1, NM_001409303.1); c.5599A>T, p.Ile1867Phe (NM_001409304.1); c.5266A>T, p.Ile1756Phe (NM_001409305.1); c.5257A>T, p.Ile1753Phe (NM_001409306.1, NM_001409307.1); short protein forms I2007F, I1738F, I1753F, I1867F, I1716F, I1756F.
Identifiers: ClinVar variation 369685 (VCV000369685.4), dbSNP rs1057516048, ClinGen allele CA10654757.

ClinVar aggregate classification (germline): Likely pathogenic (1 of 4 stars; one submission).

Conditions:
Sotos syndrome (SOTOS). Also called: CEREBRAL GIGANTISM; Distinctive facial appearance, overgrowth in childhood, and learning disabilities or delayed development; CHROMOSOME 5q35 DELETION SYNDROME; SOTOS SYNDROME 1; Sotos' syndrome. Identifiers: Orphanet 821, MedGen C0175695, MONDO:0019349, OMIM 117550.

Submission:

Victorian Clinical Genetics Services, Murdoch Childrens Research Institute
Classification: Likely pathogenic for Sotos syndrome. Last evaluated: 2014-10-21. Review status: criteria provided, single submitter. Criteria: ACMG Guidelines, 2015. Collection method: clinical testing. Allele origin: unknown. Inheritance: Autosomal dominant inheritance. Affected: yes. Observed: 1 variant allele.
Comment: This substitution is predicted to replace an isoleucine with a phenylalanine at position 2007, NP_071900.2(NSD1): p.(Ile2007Phe). The isoleucine at this position is highly conserved and is in the SET domain. Grantham assessment is likely deleterious due to amino acid properties. This variant has been reported as pathogenic in another patient with Sotos syndrome in the LOVD NSD1 database.

Literature cited by the submitters: PubMed 26938784.